The following is an entry in ClinVar:

NM_001145308.5(LRTOMT):c.630C>A (p.Asp210Glu)

Genes: ANAPC15 (anaphase promoting complex subunit 15; minus strand), LRTOMT (leucine rich transmembrane and O-methyltransferase domain containing; plus strand), TOMT (transmembrane O-methyltransferase; plus strand). Cytogenetic location: 11q13.4.
Variant type: single nucleotide variant.
Coding change: c.630C>A on transcript NM_001145308.5; coding-DNA position 630, C replaced by A.
Protein change: p.Asp210Glu; replaces aspartic acid 210 with glutamic acid.
Molecular consequence: missense variant. On other transcripts: 3 prime UTR variant (3), non-coding transcript variant (1), intron variant (7).
Genome position (GRCh38, 1-based): chr11:72,108,679, C>A. VCF-style: chr11-72108679-C-A. GRCh37 (hg19) VCF-style: chr11-71819725-C-A.
Other names: c.531C>A, p.Asp177Glu (NM_001393500.2); c.630C>A, p.Asp210Glu (NM_001145309.4); c.510C>A, p.Asp170Glu (NM_001145310.4); c.*140G>T (NM_001393443.1, NM_001393444.1, NM_001393445.1); c.64-1074G>T (NM_001393459.1); c.319-1074G>T (NM_001393430.1, NM_001393429.1, NM_001393428.1 and 3 more transcripts); short protein forms D170E, D177E, D210E.
Identifiers: ClinVar variation 1366661 (VCV001366661.9), dbSNP rs1945989858, ClinGen allele CA381724333.

ClinVar aggregate classification (germline): Uncertain significance (1 of 4 stars; one submission).

gnomAD v4.1: 3 of 1,540,720 alleles (0.00019%); highest among the groups gnomAD compares: South Asian, 0.0012%; no homozygotes.

Submission:

Labcorp Genetics (formerly Invitae), Labcorp
Classification: Uncertain significance. Last evaluated: 2022-07-12. Review status: criteria provided, single submitter. Criteria: Invitae Variant Classification Sherloc (09022015). Collection method: clinical testing. Allele origin: germline.
Comment: This variant is not present in population databases (gnomAD no frequency). This sequence change replaces aspartic acid, which is acidic and polar, with glutamic acid, which is acidic and polar, at codon 210 of the LRTOMT protein (p.Asp210Glu). This variant has not been reported in the literature in individuals affected with LRTOMT-related conditions. In summary, the available evidence is currently insufficient to determine the role of this variant in disease. Therefore, it has been classified as a Variant of Uncertain Significance. Algorithms developed to predict the effect of missense changes on protein structure and function output the following: SIFT: "Tolerated"; PolyPhen-2: "Benign"; Align-GVGD: "Class C0". The glutamic acid amino acid residue is found in multiple mammalian species, which suggests that this missense change does not adversely affect protein function. ClinVar contains an entry for this variant (Variation ID: 1366661).